The following is an entry in ClinVar:

NM_033310.3(KCNK4):c.512C>A (p.Ser171Ter)

Genes: KCNK4 (potassium two pore domain channel subfamily K member 4; plus strand), KCNK4-CATSPERZ (KCNK4-CATSPERZ readthrough (NMD candidate); plus strand). Cytogenetic location: 11q13.1.
Variant type: single nucleotide variant.
Coding change: c.512C>A on transcript NM_033310.3 (MANE Select); coding-DNA position 512, C replaced by A.
Protein change: p.Ser171Ter; replaces serine 171 with a stop codon.
Molecular consequence: nonsense. On other transcripts: non-coding transcript variant (1).
Genome position (GRCh38, 1-based): chr11:64,297,504, C>A. VCF-style: chr11-64297504-C-A. GRCh37 (hg19) VCF-style: chr11-64064976-C-A.
Other names: c.512C>A, p.Ser171Ter (NM_001317090.2); short protein forms S171*.
Identifiers: ClinVar variation 4086571 (VCV004086571.1).
Genomic context (GRCh38, chr11:64,297,504, plus strand): 5'-CTGCCTACTGCCCCATCCCGCAGAAGTGGCACGTGCCACCGGAGCTAGTAAGAGTGCTGT[C>A]GGCGATGCTTTTCCTGCTGATCGGCTGCCTGCTCTTTGTCCTCACGCCCACGTTCGTGTT-3'

ClinVar aggregate classification (germline): Uncertain significance (1 of 4 stars; one submission).

gnomAD v4.1: 1 of 1,614,138 alleles (0.000062%); highest among the groups gnomAD compares: Non-Finnish European, 0.000085%; no homozygotes.

Submission:

GeneDx
Classification: Uncertain significance. Last evaluated: 2025-03-18. Review status: criteria provided, single submitter. Criteria: GeneDx Variant Classification Process June 2021. Collection method: clinical testing. Allele origin: germline. Affected: yes.
Comment: Nonsense variant predicted to result in protein truncation or nonsense mediated decay in a gene or region of a gene for which loss of function is not a well-established mechanism of disease; Not observed at significant frequency in large population cohorts (gnomAD); Has not been previously published as pathogenic or benign to our knowledge